The following is an entry in ClinVar:

ClinVar aggregate classification (germline): Uncertain significance (1 of 4 stars; one submission).

Conditions:
Cardiovascular phenotype. Identifiers: MedGen CN230736.
Hereditary cancer-predisposing syndrome. Also called: Hereditary Cancer Syndrome; Hereditary neoplastic syndrome; Neoplastic Syndromes, Hereditary; Tumor predisposition. Identifiers: Orphanet 140162, MedGen C0027672, MeSH D009386, MONDO:0015356.

Submission:

Ambry Genetics
Classification: Uncertain significance for Cardiovascular phenotype; Hereditary cancer-predisposing syndrome. Last evaluated: 2022-03-12. Review status: criteria provided, single submitter. Criteria: Ambry Variant Classification Scheme 2023. Collection method: clinical testing. Allele origin: germline.
Comment: The p.E495D variant (also known as c.1485G>T), located in coding exon 14 of the LZTR1 gene, results from a G to T substitution at nucleotide position 1485. The glutamic acid at codon 495 is replaced by aspartic acid, an amino acid with highly similar properties. This amino acid position is conserved. In addition, this alteration is predicted to be tolerated by in silico analysis. Since supporting evidence is limited at this time, the clinical significance of this alteration remains unclear.

NM_006767.4(LZTR1):c.1485G>T (p.Glu495Asp)

Gene: LZTR1 (leucine zipper like post translational regulator 1; plus strand). Cytogenetic location: 22q11.21.
Variant type: single nucleotide variant.
Coding change: c.1485G>T on transcript NM_006767.4 (MANE Select); coding-DNA position 1485, G replaced by T.
Protein change: p.Glu495Asp; replaces glutamic acid 495 with aspartic acid.
Molecular consequence: missense variant.
Genome position (GRCh38, 1-based): chr22:20,994,139, G>T. VCF-style: chr22-20994139-G-T. GRCh37 (hg19) VCF-style: chr22-21348428-G-T.
Other names: short protein forms E495D.
Identifiers: ClinVar variation 1773659 (VCV001773659.2), dbSNP rs1265536815, ClinGen allele CA410775587.
Genomic context (GRCh38, chr22:20,994,139, plus strand): 5'-TCCTTGAGCTCCCTTCTCCCCACAGAAGCTGGAGCAGGAGGCCGCCCCAGTTCCCAGGGA[G>T]GCCCCCGGCGTGGCTGCTGGTGGGGCCCGGCCGCCCCTGCTGCACGTGGCCATCCGGGAG-3'
Protein context (NP_006758.2, residues 485-505): LEQEAAPVPR[Glu495Asp]APGVAAGGAR